The following is an entry in ClinVar:

NM_002609.4(PDGFRB):c.2546_2548del (p.Arg849_Asp850delinsHis)

Gene: PDGFRB (platelet derived growth factor receptor beta; minus strand). Cytogenetic location: 5q32.
Variant type: Deletion.
Coding change: c.2546_2548del on transcript NM_002609.4 (MANE Select); coding-DNA positions 2546 to 2548, 3 bases deleted (GAG; older notation c.2546_2548delGAG).
Protein change: p.Arg849_Asp850delinsHis.
Molecular consequence: inframe indel.
Genome position (GRCh38, 1-based): chr5:150,120,926-150,120,928, CTC deleted on the plus strand (GAG on the coding strand, the reverse complement: PDGFRB is on the minus strand). VCF-style (leftmost placement, unchanged base first): chr5-150120925-TCTC-T. GRCh37 (hg19) VCF-style: chr5-149500488-TCTC-T.
Other names: c.2354_2356del, p.Arg785_Asp786delinsHis (NM_001355016.2); c.2063_2065del, p.Arg688_Asp689delinsHis (NM_001355017.2).
Identifiers: ClinVar variation 3233448 (VCV003233448.3).
Genomic context (GRCh38, chr5:150,120,925, plus strand): 5'-CAGGGGCCAGGGAAGGTACTCACGCTGCCTTTGGAGATGTAATTCGAGTCCCGCATGATG[TCTC>T]GAGCCAGGCCAAAGTCACAGATCTTGACCAGCTTGCCTTCACAGATGAGCACGTTCCTAG-3'

ClinVar aggregate classification (germline): Pathogenic (0 of 4 stars; one submission).

Conditions:
Myofibromatosis, infantile, 1. Also called: Myofibromatosis, juvenile. Identifiers: Orphanet 2591, MedGen C4551572, MONDO:0009227, OMIM 228550.

Submission:

Demoulin lab, University of Louvain
Classification: Pathogenic for Myofibromatosis, infantile, 1. Last evaluated: 2024-04-23. Review status: no assertion criteria provided. Collection method: clinical testing. Allele origin: somatic. Affected: yes. Observed: 1 variant allele.
Comment: Demonstrating characteristics of gain-of-function, it displays constitutive activation in luciferase assays.

Literature cited by the submitters: PubMed 39580648.